The following is an entry in ClinVar:

NM_012470.4(TNPO3):c.803A>G (p.Gln268Arg)

Gene: TNPO3 (transportin 3; minus strand). Cytogenetic location: 7q32.1.
Variant type: single nucleotide variant.
Coding change: c.803A>G on transcript NM_012470.4 (MANE Select); coding-DNA position 803, A replaced by G.
Protein change: p.Gln268Arg; replaces glutamine 268 with arginine.
Molecular consequence: missense variant. On other transcripts: non-coding transcript variant (18).
Genome position (GRCh38, 1-based): chr7:129,001,128, T>C on the plus strand (A>G on the coding strand, the complement: TNPO3 is on the minus strand). VCF-style: chr7-129001128-T-C. GRCh37 (hg19) VCF-style: chr7-128641182-T-C.
Other names: c.803A>G, p.Gln268Arg (NM_001191028.3, NM_001382216.1, NM_001382218.1 and 4 more transcripts); c.884A>G, p.Gln295Arg (NM_001382217.1); c.659A>G, p.Gln220Arg (NM_001382221.1); short protein forms Q268R, Q220R, Q295R.
Identifiers: ClinVar variation 857337 (VCV000857337.12), dbSNP rs538337275, ClinGen allele CA4478326.

ClinVar aggregate classification (germline): Uncertain significance. Review status: criteria provided, multiple submitters, no conflicts (2 of 4 stars). 3 submissions from 3 submitters: Uncertain significance (3). Last evaluated 2025-08-31.

Conditions:
Autosomal dominant limb-girdle muscular dystrophy type 1F (LGMDD2). Also called: Limb-girdle muscular dystrophy, type 1F; MUSCULAR DYSTROPHY, LIMB-GIRDLE, AUTOSOMAL DOMINANT 2. Identifiers: Orphanet 55595, MedGen C1842062, MONDO:0012034, OMIM 608423.
Inborn genetic diseases. Identifiers: MedGen C0950123, MeSH D030342.

Allele frequency attached by ClinVar (database versions not stated): gnomAD exomes below 0.00001; ExAC 0.00001; gnomAD 0.00001; 1000 Genomes Project 0.00020; 1000 Genomes Project 30x 0.00031.
gnomAD v4.1: 1 of 1,614,180 alleles (0.000062%); highest among the groups gnomAD compares: Admixed American, 0.0017%; no homozygotes.

Submissions (3):

Ambry Genetics
Classification: Uncertain significance for Inborn genetic diseases. Last evaluated: 2025-08-31. Review status: criteria provided, single submitter. Criteria: Ambry Variant Classification Scheme 2023. Collection method: clinical testing. Allele origin: germline.

GeneDx
Classification: Uncertain significance. Last evaluated: 2024-06-28. Review status: criteria provided, single submitter. Criteria: GeneDx Variant Classification Process June 2021. Collection method: clinical testing. Allele origin: germline. Affected: yes.
Comment: Not observed at significant frequency in large population cohorts (gnomAD); In silico analysis indicates that this missense variant does not alter protein structure/function; Has not been previously published as pathogenic or benign to our knowledge

Labcorp Genetics (formerly Invitae), Labcorp
Classification: Uncertain significance for Autosomal dominant limb-girdle muscular dystrophy type 1F. Last evaluated: 2019-03-28. Review status: criteria provided, single submitter. Criteria: Invitae Variant Classification Sherloc (09022015). Collection method: clinical testing. Allele origin: germline.
Comment: In summary, the available evidence is currently insufficient to determine the role of this variant in disease. Therefore, it has been classified as a Variant of Uncertain Significance. Algorithms developed to predict the effect of missense changes on protein structure and function (SIFT, PolyPhen-2, Align-GVGD) all suggest that this variant is likely to be tolerated, but these predictions have not been confirmed by published functional studies and their clinical significance is uncertain. This variant has not been reported in the literature in individuals with TNPO3-related conditions. This variant is present in population databases (rs538337275, ExAC 0.009%). This sequence change replaces glutamine with arginine at codon 268 of the TNPO3 protein (p.Gln268Arg). The glutamine residue is highly conserved and there is a small physicochemical difference between glutamine and arginine.